The following is an entry in ClinVar:

NM_025103.4(IFT74):c.803C>A (p.Ser268Tyr)

Gene: IFT74 (intraflagellar transport 74; plus strand). Cytogenetic location: 9p21.2.
Variant type: single nucleotide variant.
Coding change: c.803C>A on transcript NM_025103.4 (MANE Select); coding-DNA position 803, C replaced by A.
Protein change: p.Ser268Tyr; replaces serine 268 with tyrosine.
Molecular consequence: missense variant.
Genome position (GRCh38, 1-based): chr9:27,016,920, C>A. VCF-style: chr9-27016920-C-A. GRCh37 (hg19) VCF-style: chr9-27016918-C-A.
Other names: c.803C>A, p.Ser268Tyr (NM_001099222.3, NM_001099223.3, NM_001099224.3 and 1 more transcripts); short protein forms S268Y.
Identifiers: ClinVar variation 4995189 (VCV004995189.1).

ClinVar aggregate classification (germline): Uncertain significance (1 of 4 stars; one submission).

Conditions:
IFT74-related disorder. Also called: IFT74-Related Disorders; IFT74-related condition.

gnomAD v4.1: 1 of 1,604,796 alleles (0.000062%); highest among the groups gnomAD compares: Non-Finnish European, 0.000085%; no homozygotes.

Submission:

PreventionGenetics, part of Exact Sciences
Classification: Uncertain significance for IFT74-related condition. Last evaluated: 2026-08-21. Review status: criteria provided, single submitter. Criteria: ACMG Guidelines, 2015. Collection method: clinical testing. Allele origin: germline.
Comment: The IFT74 c.803C>A variant is predicted to result in the amino acid substitution p.Ser268Tyr. To our knowledge, this variant has not been reported in the literature or in a large population database (gnomAD), indicating this variant is rare. At this time, the clinical significance of this variant is uncertain due to the absence of conclusive functional and genetic evidence.